The following is an entry in ClinVar:

NM_005157.6(ABL1):c.674T>C (p.Val225Ala)

Gene: ABL1 (ABL proto-oncogene 1, non-receptor tyrosine kinase; plus strand). Cytogenetic location: 9q34.12.
Variant type: single nucleotide variant.
Coding change: c.674T>C on transcript NM_005157.6 (MANE Select); coding-DNA position 674, T replaced by C.
Protein change: p.Val225Ala; replaces valine 225 with alanine.
Molecular consequence: missense variant.
Genome position (GRCh38, 1-based): chr9:130,862,887, T>C. VCF-style: chr9-130862887-T-C. GRCh37 (hg19) VCF-style: chr9-133738274-T-C.
Other names: c.731T>C, p.Val244Ala (NM_007313.3); short protein forms V225A, V244A.
Identifiers: ClinVar variation 948210 (VCV000948210.10), dbSNP rs1831097660, ClinGen allele CA375262757.

ClinVar aggregate classification (germline): Uncertain significance. Review status: criteria provided, multiple submitters, no conflicts (2 of 4 stars). 2 submissions from 2 submitters: Uncertain significance (2). Last evaluated 2020-01-01.

Conditions:
Congenital heart defects and skeletal malformations syndrome. Identifiers: Orphanet 643503, MedGen C4539857, MONDO:0060532, OMIM 617602.

Submissions (2):

Human Development and Health, University of Southampton
Classification: Uncertain significance for Congenital heart defects and skeletal malformations syndrome. Last evaluated: 2020-01-01. Review status: criteria provided, single submitter. Criteria: ACMG Guidelines, 2015. Collection method: clinical testing, in vitro. Allele origin: unknown, not applicable. Affected: yes. Observed: 1 heterozygote.
Comment: Highly conserved nucleotide (phyloP 4.736) with amino acid conserved to F. cattus, variant absent from ExAC, SIFT predicted damaging (0.02), Mutation Taster predicted Disease causing (P:0.998), CADD score 27.3, phenotype fits with ABL1-related malformation syndrome. Part of a cohort submitted for publication.

Labcorp Genetics (formerly Invitae), Labcorp
Classification: Uncertain significance. Last evaluated: 2019-06-27. Review status: criteria provided, single submitter. Criteria: Invitae Variant Classification Sherloc (09022015). Collection method: clinical testing. Allele origin: germline.
Comment: Algorithms developed to predict the effect of missense changes on protein structure and function are either unavailable or do not agree on the potential impact of this missense change (SIFT: "Deleterious"; PolyPhen-2: "Benign"; Align-GVGD: "Class C25"). This sequence change replaces valine with alanine at codon 244 of the ABL1 protein (p.Val244Ala). The valine residue is weakly conserved and there is a small physicochemical difference between valine and alanine. This variant is not present in population databases (ExAC no frequency). This variant has not been reported in the literature in individuals with ABL1-related conditions. In summary, the available evidence is currently insufficient to determine the role of this variant in disease. Therefore, it has been classified as a Variant of Uncertain Significance.